The following is an entry in ClinVar:

NM_001267550.2(TTN):c.29437_29440del (p.Lys9813fs)

Gene: TTN (titin; minus strand). Cytogenetic location: 2q31.2.
Variant type: Microsatellite.
Coding change: c.29437_29440del on transcript NM_001267550.2 (MANE Select); coding-DNA positions 29437 to 29440, 4 bases deleted (AAAG; older notation c.29437_29440delAAAG).
Protein change: p.Lys9813fs; shifts the reading frame from lysine 9813.
Molecular consequence: frameshift variant. On other transcripts: intron variant (3).
Genome position (GRCh38, 1-based): chr2:178,705,338-178,705,341, CTTT deleted on the plus strand (AAAG on the coding strand, the reverse complement: TTN is on the minus strand); deleting any 4 consecutive bases within chr2:178,705,338-178,705,345 gives the same sequence; the c. name uses the placement nearest the transcript's 3' end. VCF-style (leftmost placement, unchanged base first): chr2-178705337-CCTTT-C. GRCh37 (hg19) VCF-style: chr2-179570064-CCTTT-C.
Other names: c.28486_28489del, p.Lys9496fs (NM_001256850.1); c.25705_25708del, p.Lys8569fs (NM_133378.4); c.13282+32741_13282+32744del (NM_003319.4); c.13858+32741_13858+32744del (NM_133437.4); c.13657+32741_13657+32744del (NM_133432.3); short protein forms K8569fs, K9496fs, K9813fs.
Identifiers: ClinVar variation 3363010 (VCV003363010.3).
Genomic context (GRCh38, chr2:178,705,337, plus strand): 5'-TCTTTAGGATCAACATTTTTGAGAAGTTCCATGATATCAATTTCCTCTTCTTCTCCAGCT[CCTTT>C]CTTTAAGATTGGAGTCCTAAATAAAATTTAAAAAGTAAGGATAAAACACCTGTCTTCTAC-3'

ClinVar aggregate classification (germline): Likely pathogenic. Review status: criteria provided, single submitter (1 of 4 stars). 2 submissions from 2 submitters: Likely pathogenic (1). 1 of the submissions does not count toward it. Last evaluated 2024-04-11.

Conditions:
Dilated cardiomyopathy 1G (CMD1G). Identifiers: Orphanet 154, MedGen C1858763, MONDO:0011400, OMIM 604145.
Autosomal recessive limb-girdle muscular dystrophy type 2J (LGMDR10). Also called: Limb-girdle muscular dystrophy, type 2J; MUSCULAR DYSTROPHY, LIMB-GIRDLE, AUTOSOMAL RECESSIVE 10. Identifiers: Orphanet 140922, MedGen C1837342, MONDO:0012127, OMIM 608807.

Submissions (2):

Labcorp Genetics (formerly Invitae), Labcorp
Classification: Likely pathogenic for Dilated cardiomyopathy 1G; Autosomal recessive limb-girdle muscular dystrophy type 2J. Last evaluated: 2024-04-11. Review status: criteria provided, single submitter. Criteria: Invitae Variant Classification Sherloc (09022015). Collection method: clinical testing. Allele origin: germline.
Comment: This sequence change creates a premature translational stop signal (p.Lys9813Glufs*60) in the TTN gene. While this is not anticipated to result in nonsense mediated decay, it is expected to create a truncated TTN protein. This variant is not present in population databases (gnomAD no frequency). This variant has not been reported in the literature in individuals affected with TTN-related conditions. This variant is located in the I band of TTN (PMID: 25589632). Truncating variants in this region have been reported in individuals affected with autosomal recessive centronuclear myopathy (PMID: 23975875, Invitae internal data). Truncating variants in this region have also been identified in individuals affected with autosomal dominant dilated cardiomyopathy and/or cardio-related conditions (PMID: 27869827, 32964742, Invitae internal data). In summary, the currently available evidence indicates that the variant is pathogenic, but additional data are needed to prove that conclusively. Therefore, this variant has been classified as Likely Pathogenic.

Cardiogenetics and Myogenetics Molecular and Cellular Functional Unit, Aphp Sorbonne University-Hopital Pitie Salpetriere
Classification: Likely pathogenic for Dilated cardiomyopathy 1G. Last evaluated: 2024-01-06. Review status: no assertion criteria provided. Collection method: clinical testing. Allele origin: germline. Affected: yes. Not counted in ClinVar's aggregate classification.

Literature cited by the submitters: PubMed 25589632 (cited by Labcorp Genetics (formerly Invitae), Labcorp); PubMed 23975875 (cited by Labcorp Genetics (formerly Invitae), Labcorp); PubMed 27869827 (cited by Labcorp Genetics (formerly Invitae), Labcorp); PubMed 32964742 (cited by Labcorp Genetics (formerly Invitae), Labcorp).